The following is an entry in ClinVar:

ClinVar aggregate classification (germline): Pathogenic (1 of 4 stars; one submission).

Conditions:
DICER1-related tumor predisposition. Also called: DICER1-related pleuropulmonary blastoma cancer predisposition syndrome; DICER1 syndrome. Identifiers: Orphanet 284343, MedGen C3839822, MONDO:0100216.

Submission:

Foulkes Cancer Genetics LDI, Lady Davis Institute for Medical Research
Classification: Pathogenic for Pleuropulmonary blastoma. Last evaluated: 2019-07-01. Review status: criteria provided, single submitter. Criteria: ACMG Guidelines, 2015. Collection method: curation. Allele origin: germline. Affected: yes. Observed: 1 variant allele.
Comment: ACMG criteria met: PVS1, PM2, PP4

Literature cited by the submitters: PubMed 21501861.

NM_177438.3(DICER1):c.2246_2247insACTA (p.Tyr749Ter)

Gene: DICER1 (dicer 1, ribonuclease III; minus strand). Cytogenetic location: 14q32.13.
Variant type: Insertion.
Coding change: c.2246_2247insACTA on transcript NM_177438.3 (MANE Select); coding-DNA positions 2246 to 2247, ACTA inserted.
Protein change: p.Tyr749Ter; replaces tyrosine 749 with a stop codon.
Molecular consequence: nonsense.
Genome position: GRCh38 VCF-style: chr14-95111326-G-GTAGT. GRCh37 (hg19) VCF-style: chr14-95577663-G-GTAGT.
Other names: c.2246_2247insACTA, p.Tyr749Ter (NM_001195573.1, NM_001271282.3, NM_001291628.2 and 1 more transcripts); short protein forms Y749*.
Identifiers: ClinVar variation 933008 (VCV000933008.3), dbSNP rs1891937602, ClinGen allele CA1139663664.